The following is an entry in ClinVar:

ClinVar aggregate classification (germline): Conflicting classifications of pathogenicity. Review status: criteria provided, conflicting classifications (1 of 4 stars). 2 submissions from 2 submitters: Uncertain significance (1); Likely benign (1). Last evaluated 2026-02-09.

Conditions:
Hereditary cancer-predisposing syndrome. Also called: Tumor predisposition; Hereditary Cancer Syndrome; Neoplastic Syndromes, Hereditary; Hereditary neoplastic syndrome. Identifiers: Orphanet 140162, MedGen C0027672, MeSH D009386, MONDO:0015356.

Allele frequency attached by ClinVar (database versions not stated): gnomAD exomes below 0.00001; ExAC 0.00001.

Submissions (2):

Ambry Genetics
Classification: Uncertain significance for Hereditary cancer-predisposing syndrome. Last evaluated: 2026-02-09. Review status: criteria provided, single submitter. Criteria: Ambry Variant Classification Scheme 2023. Collection method: clinical testing. Allele origin: germline.
Comment: The c.1453-4C>G intronic variant results from a C to G substitution 4 nucleotides upstream from coding exon 10 in the RAD50 gene. This nucleotide position is poorly conserved in available vertebrate species. In silico splice site analysis for this alteration is inconclusive. Based on the available evidence, the clinical significance of this variant remains unclear.

Labcorp Genetics (formerly Invitae), Labcorp
Classification: Likely benign for Hereditary cancer-predisposing syndrome. Last evaluated: 2022-12-30. Review status: criteria provided, single submitter. Criteria: Invitae Variant Classification Sherloc (09022015). Collection method: clinical testing. Allele origin: germline.

NM_005732.4(RAD50):c.1453-4C>G

Gene: RAD50 (RAD50 double strand break repair protein; plus strand). Cytogenetic location: 5q31.1.
Variant type: single nucleotide variant.
Coding change: c.1453-4C>G on transcript NM_005732.4 (MANE Select); 4 bases into the intron before coding-DNA position 1453, C replaced by G.
Molecular consequence: intron variant.
Genome position (GRCh38, 1-based): chr5:132,591,220, C>G. VCF-style: chr5-132591220-C-G. GRCh37 (hg19) VCF-style: chr5-131926912-C-G.
Identifiers: ClinVar variation 484701 (VCV000484701.9), dbSNP rs747751038, ClinGen allele CA3405187.
Genomic context (GRCh38, chr5:132,591,220, plus strand): 5'-GTCATTATTTTAATTCTTGCACAAAATATATAACACCTTTGCATTTGTATGAATTATTGA[C>G]TAGGAACGTGAGTTAAGCAAGGCTGAGAAAAACAGCAATGTAGAAACCTTAAAAATGGAA-3'